The following is an entry in ClinVar:

NM_001363711.2(DUOX2):c.3667C>G (p.His1223Asp)

Gene: DUOX2 (dual oxidase 2; minus strand). Cytogenetic location: 15q21.1.
Variant type: single nucleotide variant.
Coding change: c.3667C>G on transcript NM_001363711.2 (MANE Select); coding-DNA position 3667, C replaced by G.
Protein change: p.His1223Asp; replaces histidine 1223 with aspartic acid.
Molecular consequence: missense variant.
Genome position (GRCh38, 1-based): chr15:45,097,640, G>C on the plus strand (C>G on the coding strand, the complement: DUOX2 is on the minus strand). VCF-style: chr15-45097640-G-C. GRCh37 (hg19) VCF-style: chr15-45389838-G-C.
Other names: c.3667C>G, p.His1223Asp (NM_014080.5); short protein forms H1223D.
Identifiers: ClinVar variation 888150 (VCV000888150.7), dbSNP rs374103492, ClinGen allele CA7537776.
Genomic context (GRCh38, chr15:45,097,640, plus strand): 5'-CTGCTCCATGGGCTGGCCCAGGGAAGTCCCTCACCAGGGCATAGAGCAGGATGTAGAGGT[G>C]GTGGGTCAGCCAGAAGCCCCGGAAGCTGCGGCGGCGGAAGTGGTGGGAGGCGAAGACATA-3'
Protein context (NP_001350640.1, residues 1213-1233): RSFRGFWLTH[His1223Asp]LYILLYALLI

ClinVar aggregate classification (germline): Uncertain significance. Review status: criteria provided, multiple submitters, no conflicts (2 of 4 stars). 2 submissions from 2 submitters: Uncertain significance (2). Last evaluated 2025-11-27.

Conditions:
Thyroid dyshormonogenesis 6 (TDH6). Also called: HYPOTHYROIDISM, CONGENITAL, DUE TO DYSHORMONOGENESIS, 6; THYROID HORMONOGENESIS, GENETIC DEFECT IN, 6; Genetic transient congenital hypothyroidism. Identifiers: Orphanet 226316, Orphanet 95716, MedGen C1846632, MONDO:0011792, OMIM 607200.

Allele frequency attached by ClinVar (database versions not stated): ESP Exome Variant Server 0.00008; TOPMed 0.00010.
gnomAD v4.1: 132 of 1,613,904 alleles (0.0082%); highest among the groups gnomAD compares: Admixed American, 0.02%; 1 homozygote.

Submissions (2):

Labcorp Genetics (formerly Invitae), Labcorp
Classification: Uncertain significance. Last evaluated: 2025-11-27. Review status: criteria provided, single submitter. Criteria: Invitae Variant Classification Sherloc (09022015). Collection method: clinical testing. Allele origin: germline.
Comment: This sequence change replaces histidine, which is basic and polar, with aspartic acid, which is acidic and polar, at codon 1223 of the DUOX2 protein (p.His1223Asp). This variant is present in population databases (rs374103492, gnomAD 0.02%). This variant has not been reported in the literature in individuals affected with DUOX2-related conditions. ClinVar contains an entry for this variant (Variation ID: 888150). Invitae Evidence Modeling of protein sequence and biophysical properties (such as structural, functional, and spatial information, amino acid conservation, physicochemical variation, residue mobility, and thermodynamic stability) indicates that this missense variant is expected to disrupt DUOX2 protein function with a positive predictive value of 80%. In summary, the available evidence is currently insufficient to determine the role of this variant in disease. Therefore, it has been classified as a Variant of Uncertain Significance.

Illumina Laboratory Services, Illumina
Classification: Uncertain significance for Thyroid dyshormonogenesis 6. Last evaluated: 2018-01-13. Review status: criteria provided, single submitter. Criteria: ICSL Variant Classification Criteria 13 December 2019. Collection method: clinical testing. Allele origin: germline.